The following is an entry in ClinVar:

NM_007078.3(LDB3):c.164T>C (p.Val55Ala)

Gene: LDB3 (LIM domain binding 3; plus strand). Cytogenetic location: 10q23.2.
Variant type: single nucleotide variant.
Coding change: c.164T>C on transcript NM_007078.3 (MANE Select); coding-DNA position 164, T replaced by C.
Protein change: p.Val55Ala; replaces valine 55 with alanine.
Molecular consequence: missense variant.
Genome position (GRCh38, 1-based): chr10:86,679,437, T>C. VCF-style: chr10-86679437-T-C. GRCh37 (hg19) VCF-style: chr10-88439194-T-C.
Other names: c.164T>C, p.Val55Ala (NM_001080114.2, NM_001080115.2, NM_001080116.1 and 8 more transcripts); short protein forms V55A.
Identifiers: ClinVar variation 4859152 (VCV004859152.1).

ClinVar aggregate classification (germline): Uncertain significance (1 of 4 stars; one submission).

Conditions:
Cardiovascular phenotype. Identifiers: MedGen CN230736.

Submission:

Ambry Genetics
Classification: Uncertain significance for Cardiovascular phenotype. Last evaluated: 2026-04-09. Review status: criteria provided, single submitter. Criteria: Ambry Variant Classification Scheme 2023. Collection method: clinical testing. Allele origin: germline.
Comment: The p.V55A variant (also known as c.164T>C), located in coding exon 2 of the LDB3 gene, results from a T to C substitution at nucleotide position 164. The valine at codon 55 is replaced by alanine, an amino acid with similar properties. This amino acid position is conserved. In addition, this alteration is predicted to be tolerated by in silico analysis. Based on the available evidence, the clinical significance of this variant remains unclear.